The following continues an entry in ClinVar:

NM_032043.3(BRIP1):c.316C>T (p.Arg106Cys)

Gene: BRIP1. ClinVar aggregate classification (germline): Conflicting classifications of pathogenicity. Uncertain significance (13); Likely benign (6).

Submissions 13 to 21 of 21:

Sema4
Classification: Uncertain significance for Hereditary cancer-predisposing syndrome. Last evaluated: 2021-10-22. Review status: criteria provided, single submitter. Criteria: Sema4 Curation Guidelines. Collection method: curation. Allele origin: germline.
Comment: The BRIP1 c.316C>T (p.R106C) variant has been reported in individuals with breast cancer, melanoma, colorectal cancer, prostate cancer and lung adenocarcinoma (PMID: 27978560, 26921362, 26689913, 19935797, 33134171). In one family, the variant co-segregated with breast cancer in one family member (PMID: 33134171). This variant was observed in 7/35440 chromosomes in the Latino population, with no homozygotes, according to the Genome Aggregation Database (PMID: 27535533) and was reported in ClinVar (Variation ID: 128184). In silico tools suggest the impact of the variant on protein function is benign, though these predictions have not been confirmed by functional studies. The evidence is insufficient to meet ACMG/AMP criteria for classifying the variant as benign or pathogenic. Based on the current evidence available, this variant is interpreted as a variant of uncertain significance.

Department of Pathology and Laboratory Medicine, Sinai Health System
Classification: Uncertain significance for familial ovarian cancer. Last evaluated: 2021-04-27. Review status: criteria provided, single submitter. Criteria: ACMG Guidelines, 2015. Collection method: clinical testing. Allele origin: germline. Affected: yes.

Baylor Genetics
Classification: Uncertain significance for Fanconi anemia complementation group J. Last evaluated: 2020-11-23. Review status: criteria provided, single submitter. Criteria: ACMG Guidelines, 2015. Collection method: clinical testing. Allele origin: unknown. Affected: yes. Study: CSER-TexasKidsCanSeq.
Comment: This variant was determined to be of uncertain significance according to ACMG Guidelines, 2015 [PMID:25741868].

Division of Medical Genetics, University of Washington
Classification: Uncertain significance for Ovarian cancer. Last evaluated: 2019-11-22. Review status: criteria provided, single submitter. Criteria: ACMG Guidelines, 2015. Collection method: clinical testing. Allele origin: germline. Affected: no. Study: CSER_CHARM.
Comment: This variant has been identified in individuals with breast, colon and prostate cancer (Ray 2009, Easton 2016, Pearlman 2017), but has not to our knowledge been reported in an individual with ovarian cancer. The majority of pathogenic variants reported in the BRIP1 gene to date are truncating variants. This variant has an overall allele frequency of 0.0001 in the Broad Institute ExAC Browser. In silico analyses indicate that this variant may not alter protein structure/function. Thus, it is unknown at this time whether this variant increases cancer risk. BP4

Mendelics
Classification: Uncertain significance for Familial cancer of breast. Last evaluated: 2019-05-28. Review status: criteria provided, single submitter. Criteria: Mendelics Assertion Criteria 2017. Collection method: clinical testing. Allele origin: unknown.

Women's Health and Genetics/Laboratory Corporation of America, LabCorp
Classification: Likely benign. Last evaluated: 2017-09-19. Review status: criteria provided, single submitter. Criteria: LabCorp Variant Classification Summary - May 2015. Collection method: clinical testing. Allele origin: germline.
Comment: Variant summary: The BRIP1 c.316C>T (p.Arg106Cys) variant causes a missense change involving the alteration of a non-conserved nucleotide. 3/4 in silico tools predict a benign outcome for this variant (SNPsandGO not captured due to low reliability index). The variant was found in the control population dataset of gnomAD in 32/287682 control chromosomes, predominantly observed in the Latino subpopulation at a frequency of 0.000203 (7/34416). This frequency is about 3 times the estimated maximal expected allele frequency of a pathogenic BRIP1 variant (0.0000625), suggesting this is likely a benign polymorphism found primarily in the populations of Latino origin. The variant has been reported in affected individuals in the literature, without strong evidence for causality (Ray_2009, Easton_2016, Pearlman_2016). Multiple clinical diagnostic laboratories/reputable databases classified this variant as uncertain significance. Taken together, based on the relatively high allele frequency of the variant in the control population, this variant is classified as likely benign.

Illumina Laboratory Services, Illumina
Classification: Uncertain significance for Fanconi anemia complementation group J. Last evaluated: 2017-06-15. Review status: criteria provided, single submitter. Criteria: ICSL Variant Classification Criteria 13 December 2019. Collection method: clinical testing. Allele origin: germline.
Comment: This variant was observed as part of a predisposition screen in an ostensibly healthy population. A literature search was performed for the gene, cDNA change, and amino acid change (where applicable). Publications were found based on this search. However, the evidence from the literature, in combination with allele frequency data from public databases where available, was not sufficient to rule this variant in or out of causing disease. Therefore, this variant is classified as a variant of unknown significance.

Counsyl
Classification: Uncertain significance for Fanconi anemia complementation group J. Last evaluated: 2016-09-06. Review status: no assertion criteria provided. Collection method: clinical testing. Allele origin: unknown. Not counted in ClinVar's aggregate classification.

Counsyl
Classification: Uncertain significance for Ovarian cancer. Last evaluated: 2016-09-06. Review status: no assertion criteria provided. Collection method: clinical testing. Allele origin: unknown. Not counted in ClinVar's aggregate classification.

Literature cited by the submitters: PubMed 19935797 (cited by 7 submitters); PubMed 26921362 (cited by 7 submitters); PubMed 27978560 (cited by 6 submitters); PubMed 33134171 (cited by 3 submitters); PubMed 26689913 (cited by 4 submitters); PubMed 35264596 (cited by Quest Diagnostics Nichols Institute San Juan Capistrano); PubMed 32522261 (cited by Quest Diagnostics Nichols Institute San Juan Capistrano).